The following is an entry in ClinVar:

NM_004068.4(AP2M1):c.423+4C>A

Gene: AP2M1 (adaptor related protein complex 2 subunit mu 1; plus strand). Cytogenetic location: 3q27.1.
Variant type: single nucleotide variant.
Coding change: c.423+4C>A on transcript NM_004068.4 (MANE Select); 4 bases into the intron after coding-DNA position 423, C replaced by A.
Molecular consequence: intron variant.
Genome position (GRCh38, 1-based): chr3:184,180,255, C>A. VCF-style: chr3-184180255-C-A. GRCh37 (hg19) VCF-style: chr3-183898043-C-A.
Other names: c.498+4C>A (NM_001311198.2, NM_001311198.1); c.423+4C>A (NM_001025205.2).
Identifiers: ClinVar variation 1412382 (VCV001412382.30), dbSNP rs372570685, ClinGen allele CA2727700.

ClinVar aggregate classification (germline): Conflicting classifications of pathogenicity. Review status: criteria provided, conflicting classifications (1 of 4 stars). 4 submissions from 4 submitters: Uncertain significance (1); Likely benign (2). 1 of the submissions does not count toward it. Last evaluated 2025-08-20.

Conditions:
AP2M1-related disorder. Also called: AP2M1-related condition.

Allele frequency attached by ClinVar (database versions not stated): ESP Exome Variant Server 0.00008.
gnomAD v4.1: 108 of 1,613,958 alleles (0.0067%); highest among the groups gnomAD compares: Middle Eastern, 0.016%; no homozygotes.

Submissions (4):

Labcorp Genetics (formerly Invitae), Labcorp
Classification: Uncertain significance. Last evaluated: 2025-08-20. Review status: criteria provided, single submitter. Criteria: Invitae Variant Classification Sherloc (09022015). Collection method: clinical testing. Allele origin: germline.
Comment: This sequence change falls in intron 4 of the AP2M1 gene. It does not directly change the encoded amino acid sequence of the AP2M1 protein. It affects a nucleotide within the consensus splice site. This variant is present in population databases (rs372570685, gnomAD 0.01%). This variant has not been reported in the literature in individuals affected with AP2M1-related conditions. ClinVar contains an entry for this variant (Variation ID: 1412382). Variants that disrupt the consensus splice site are a relatively common cause of aberrant splicing (PMID: 17576681, 9536098). Algorithms developed to predict the effect of sequence changes on RNA splicing suggest that this variant is not likely to affect RNA splicing. In summary, the available evidence is currently insufficient to determine the role of this variant in disease. Therefore, it has been classified as a Variant of Uncertain Significance.

Blueprint Genetics
Classification: Likely benign. Last evaluated: 2024-10-15. Review status: criteria provided, single submitter. Criteria: ACMG Guidelines, 2015. Collection method: clinical testing. Allele origin: germline.

CeGaT Center for Human Genetics Tuebingen
Classification: Likely benign. Last evaluated: 2022-10-01. Review status: criteria provided, single submitter. Criteria: CeGaT Center For Human Genetics Tuebingen Variant Classification Criteria Version 2. Collection method: clinical testing. Allele origin: germline. Affected: yes. Observed: 1 variant allele.
Comment: AP2M1: BP4, BS2

PreventionGenetics, part of Exact Sciences
Classification: Likely benign for AP2M1-related condition. Last evaluated: 2024-04-15. Review status: no assertion criteria provided. Collection method: clinical testing. Allele origin: germline. Not counted in ClinVar's aggregate classification.
Comment: This variant is classified as likely benign based on ACMG/AMP sequence variant interpretation guidelines (Richards et al. 2015 PMID: 25741868, with internal and published modifications).

Literature cited by the submitters: PubMed 17576681 (cited by Labcorp Genetics (formerly Invitae), Labcorp); PubMed 9536098 (cited by Labcorp Genetics (formerly Invitae), Labcorp).